The following is an entry in ClinVar:

ClinVar aggregate classification (germline): Uncertain significance (1 of 4 stars; one submission).

Conditions:
Inborn genetic diseases. Identifiers: MedGen C0950123, MeSH D030342.

Submission:

Ambry Genetics
Classification: Uncertain significance for Inborn genetic diseases. Last evaluated: 2025-03-31. Review status: criteria provided, single submitter. Criteria: Ambry Variant Classification Scheme 2023. Collection method: clinical testing. Allele origin: germline.
Comment: The p.D723Y variant (also known as c.2167G>T), located in coding exon 1 of the SAMD9 gene, results from a G to T substitution at nucleotide position 2167. The aspartic acid at codon 723 is replaced by tyrosine, an amino acid with highly dissimilar properties. This amino acid position is conserved. In addition, the in silico prediction for this alteration is inconclusive. Based on the available evidence, the clinical significance of this variant remains unclear.

NM_017654.4(SAMD9):c.2167G>T (p.Asp723Tyr)

Gene: SAMD9 (sterile alpha motif domain containing 9; minus strand). Cytogenetic location: 7q21.2.
Variant type: single nucleotide variant.
Coding change: c.2167G>T on transcript NM_017654.4 (MANE Select); coding-DNA position 2167, G replaced by T.
Protein change: p.Asp723Tyr; replaces aspartic acid 723 with tyrosine.
Molecular consequence: missense variant.
Genome position (GRCh38, 1-based): chr7:93,103,931, C>A on the plus strand (G>T on the coding strand, the complement: SAMD9 is on the minus strand). VCF-style: chr7-93103931-C-A. GRCh37 (hg19) VCF-style: chr7-92733244-C-A.
Other names: c.2167G>T, p.Asp723Tyr (NM_001193307.2); short protein forms D723Y.
Identifiers: ClinVar variation 3949497 (VCV003949497.1).